The following is an entry in ClinVar:

NM_001352514.2(HLCS):c.1550C>T (p.Thr517Ile)

Gene: HLCS (holocarboxylase synthetase; minus strand). Cytogenetic location: 21q22.13.
Variant type: single nucleotide variant.
Coding change: c.1550C>T on transcript NM_001352514.2 (MANE Select); coding-DNA position 1550, C replaced by T.
Protein change: p.Thr517Ile; replaces threonine 517 with isoleucine.
Molecular consequence: missense variant. On other transcripts: non-coding transcript variant (2).
Genome position (GRCh38, 1-based): chr21:36,930,321, G>A on the plus strand (C>T on the coding strand, the complement: HLCS is on the minus strand). VCF-style: chr21-36930321-G-A. GRCh37 (hg19) VCF-style: chr21-38302621-G-A.
Other names: c.1109C>T, p.Thr370Ile (NM_000411.8, NM_001242784.3, NM_001242785.2 and 4 more transcripts); short protein forms T370I, T517I.
Identifiers: ClinVar variation 459943 (VCV000459943.12), dbSNP rs575286749, ClinGen allele CA10020529.

ClinVar aggregate classification (germline): Uncertain significance. Review status: criteria provided, multiple submitters, no conflicts (2 of 4 stars). 5 submissions from 5 submitters: Uncertain significance (4). 1 of the submissions does not count toward it. Last evaluated 2024-11-13.

Conditions:
Holocarboxylase synthetase deficiency. Also called: MULTIPLE CARBOXYLASE DEFICIENCY, EARLY ONSET. Identifiers: Orphanet 79242, MedGen C0268581, MONDO:0009666, OMIM 253270.
Inborn genetic diseases. Identifiers: MedGen C0950123, MeSH D030342.

Allele frequency attached by ClinVar (database versions not stated): TOPMed 0.00011; gnomAD 0.00012 and 0.00013; ExAC 0.00020.
gnomAD v4.1: 276 of 1,613,974 alleles (0.017%); highest among the groups gnomAD compares: Non-Finnish European, 0.021%; no homozygotes.

Submissions (5):

Ambry Genetics
Classification: Uncertain significance for Inborn genetic diseases. Last evaluated: 2024-11-13. Review status: criteria provided, single submitter. Criteria: Ambry Variant Classification Scheme 2023. Collection method: clinical testing. Allele origin: germline.

Labcorp Genetics (formerly Invitae), Labcorp
Classification: Uncertain significance for Holocarboxylase synthetase deficiency. Last evaluated: 2024-10-15. Review status: criteria provided, single submitter. Criteria: Invitae Variant Classification Sherloc (09022015). Collection method: clinical testing. Allele origin: germline.
Comment: This sequence change replaces threonine, which is neutral and polar, with isoleucine, which is neutral and non-polar, at codon 370 of the HLCS protein (p.Thr370Ile). This variant is present in population databases (rs575286749, gnomAD 0.02%). This variant has not been reported in the literature in individuals affected with HLCS-related conditions. ClinVar contains an entry for this variant (Variation ID: 459943). Invitae Evidence Modeling of protein sequence and biophysical properties (such as structural, functional, and spatial information, amino acid conservation, physicochemical variation, residue mobility, and thermodynamic stability) has been performed for this missense variant. However, the output from this modeling did not meet the statistical confidence thresholds required to predict the impact of this variant on HLCS protein function. In summary, the available evidence is currently insufficient to determine the role of this variant in disease. Therefore, it has been classified as a Variant of Uncertain Significance.

Fulgent Genetics
Classification: Uncertain significance for Holocarboxylase synthetase deficiency. Last evaluated: 2021-07-27. Review status: criteria provided, single submitter. Criteria: ACMG Guidelines, 2015. Collection method: clinical testing. Allele origin: unknown.

Illumina Laboratory Services, Illumina
Classification: Uncertain significance for Holocarboxylase synthetase deficiency. Last evaluated: 2018-01-12. Review status: criteria provided, single submitter. Criteria: ICSL Variant Classification Criteria 13 December 2019. Collection method: clinical testing. Allele origin: germline.

Natera, Inc.
Classification: Uncertain significance for Holocarboxylase synthetase deficiency. Last evaluated: 2020-01-24. Review status: no assertion criteria provided. Collection method: clinical testing. Allele origin: germline. Not counted in ClinVar's aggregate classification.